The following is an entry in ClinVar:

NM_052874.5(STX1B):c.622A>G (p.Ile208Val)

Gene: STX1B (syntaxin 1B; minus strand). Cytogenetic location: 16p11.2.
Variant type: single nucleotide variant.
Coding change: c.622A>G on transcript NM_052874.5 (MANE Select); coding-DNA position 622, A replaced by G.
Protein change: p.Ile208Val; replaces isoleucine 208 with valine.
Molecular consequence: missense variant.
Genome position (GRCh38, 1-based): chr16:30,993,400, T>C on the plus strand (A>G on the coding strand, the complement: STX1B is on the minus strand). VCF-style: chr16-30993400-T-C. GRCh37 (hg19) VCF-style: chr16-31004721-T-C.
Other names: short protein forms I208V.
Identifiers: ClinVar variation 2125999 (VCV002125999.4), dbSNP rs1366750478, ClinGen allele CA395647265.

ClinVar aggregate classification (germline): Uncertain significance (1 of 4 stars; one submission).

Conditions:
Generalized epilepsy with febrile seizures plus, type 9 (GEFSP9). Also called: GEFS+, TYPE 9. Identifiers: Orphanet 36387, MedGen C4015395, MONDO:0014517, OMIM 616172.

Submission:

Labcorp Genetics (formerly Invitae), Labcorp
Classification: Uncertain significance for Generalized epilepsy with febrile seizures plus, type 9. Last evaluated: 2022-05-17. Review status: criteria provided, single submitter. Criteria: Invitae Variant Classification Sherloc (09022015). Collection method: clinical testing. Allele origin: germline.
Comment: In summary, the available evidence is currently insufficient to determine the role of this variant in disease. Therefore, it has been classified as a Variant of Uncertain Significance. Algorithms developed to predict the effect of missense changes on protein structure and function are either unavailable or do not agree on the potential impact of this missense change (SIFT: "Tolerated"; PolyPhen-2: "Possibly Damaging"; Align-GVGD: "Class C0"). This variant has not been reported in the literature in individuals affected with STX1B-related conditions. This variant is not present in population databases (gnomAD no frequency). This sequence change replaces isoleucine, which is neutral and non-polar, with valine, which is neutral and non-polar, at codon 208 of the STX1B protein (p.Ile208Val).